The following is an entry in ClinVar:

NM_001142864.4(PIEZO1):c.6280C>T (p.Leu2094Phe)

Gene: PIEZO1 (piezo type mechanosensitive ion channel component 1 (Er blood group); minus strand). Cytogenetic location: 16q24.3.
Variant type: single nucleotide variant.
Coding change: c.6280C>T on transcript NM_001142864.4 (MANE Select); coding-DNA position 6280, C replaced by T.
Protein change: p.Leu2094Phe; replaces leucine 2094 with phenylalanine.
Molecular consequence: missense variant.
Genome position (GRCh38, 1-based): chr16:88,719,845, G>A on the plus strand (C>T on the coding strand, the complement: PIEZO1 is on the minus strand). VCF-style: chr16-88719845-G-A. GRCh37 (hg19) VCF-style: chr16-88786253-G-A.
Other names: short protein forms L2094F.
Identifiers: ClinVar variation 983306 (VCV000983306.3), dbSNP rs1027478327, ClinGen allele CA286409306.
Genomic context (GRCh38, chr16:88,719,845, plus strand): 5'-GGCGGACCTGCACTCACCCCTGGAAGAGGAAGAGGTTGAGATGATTGTACTTCTTGGTGA[G>A]GAAGTTGCCGAGGATGCGGGTGGGGTAGCCGCAGCGGATCTGGTAGGCGGACAGGGCGAA-3'
Protein context (NP_001136336.2, residues 2084-2104): GYPTRILGNF[Leu2094Phe]TKKYNHLNLF

ClinVar aggregate classification (germline): Uncertain significance. Review status: criteria provided, multiple submitters, no conflicts (2 of 4 stars). 3 submissions from 3 submitters: Uncertain significance (2). 1 of the submissions does not count toward it. Last evaluated 2023-12-26.

Conditions:
Dehydrated hereditary stomatocytosis with or without pseudohyperkalemia and/or perinatal edema (DHS1). Also called: DEHYDRATED HEREDITARY STOMATOCYTOSIS WITH PSEUDOHYPERKALEMIA AND PERINATAL EDEMA; Pseudohyperkalemia, familial, 1, due to red cell leak; Dehydrated hereditary stomatocytosis 1 with or without pseudohyperkalemia and/or perinatal edema; DEHYDRATED HEREDITARY STOMATOCYTOSIS AND PSEUDOHYPERKALEMIA; PSEUDOHYPERKALEMIA EDINBURGH. Identifiers: Orphanet 3202, MedGen C4551512, MONDO:0008689, OMIM 194380.

Allele frequency attached by ClinVar (database versions not stated): gnomAD 0.00001; TOPMed 0.00001; gnomAD exomes 0.00001.

Submissions (3):

Revvity Omics, Revvity
Classification: Uncertain significance. Last evaluated: 2023-12-26. Review status: criteria provided, single submitter. Criteria: ACMG Guidelines, 2015. Collection method: clinical testing. Allele origin: germline.

GeneDx
Classification: Uncertain significance. Last evaluated: 2023-06-12. Review status: criteria provided, single submitter. Criteria: GeneDx Variant Classification Process June 2021. Collection method: clinical testing. Allele origin: germline. Affected: yes.
Comment: In silico analysis supports that this missense variant has a deleterious effect on protein structure/function; Has not been previously published as pathogenic or benign to our knowledge

Coyote Medical Laboratory (Beijing), Coyote
Classification: Uncertain significance for Dehydrated hereditary stomatocytosis with or without pseudohyperkalemia and/or perinatal edema. Last evaluated: 2018-08-20. Review status: no assertion criteria provided. Collection method: clinical testing. Allele origin: inherited. Inheritance: Autosomal dominant inheritance. Affected: yes. Observed: 1 variant allele. Not counted in ClinVar's aggregate classification.